The following is an entry in ClinVar:

ClinVar aggregate classification (germline): Pathogenic. Review status: criteria provided, single submitter (1 of 4 stars). 3 submissions from 3 submitters: Pathogenic (1). 2 of the submissions do not count toward it. Last evaluated 2026-01-10.

Conditions:
Charcot-Marie-Tooth disease. Also called: Charcot-Marie-Tooth Hereditary Neuropathy; Charcot-Marie-Tooth Neuropathy. Identifiers: Orphanet 166, MedGen C0007959, MONDO:0015626.
Charcot-Marie-Tooth disease dominant intermediate C (CMTDIC). Also called: CHARCOT-MARIE-TOOTH NEUROPATHY, DOMINANT INTERMEDIATE C. Identifiers: Orphanet 100045, MedGen C1842237, MONDO:0012012, OMIM 608323.

Submissions (3):

Labcorp Genetics (formerly Invitae), Labcorp
Classification: Pathogenic for Charcot-Marie-Tooth disease dominant intermediate C. Last evaluated: 2026-01-10. Review status: criteria provided, single submitter. Criteria: Invitae Variant Classification Sherloc (09022015). Collection method: clinical testing. Allele origin: germline.
Comment: This sequence change replaces glycine, which is neutral and non-polar, with arginine, which is basic and polar, at codon 41 of the YARS protein (p.Gly41Arg). This variant is not present in population databases (gnomAD no frequency). This missense change has been observed in individual(s) with autosomal dominant Charcot-Marie-Tooth disease (PMID: 14606043, 16429158). It has also been observed to segregate with disease in related individuals. ClinVar contains an entry for this variant (Variation ID: 6188). Invitae Evidence Modeling of protein sequence and biophysical properties (such as structural, functional, and spatial information, amino acid conservation, physicochemical variation, residue mobility, and thermodynamic stability) indicates that this missense variant is expected to disrupt YARS protein function with a positive predictive value of 80%. Experimental studies have shown that this missense change affects YARS function (PMID: 16429158, 19561293, 21384131, 26975778). For these reasons, this variant has been classified as Pathogenic.

OMIM
Classification: Pathogenic for CHARCOT-MARIE-TOOTH DISEASE, DOMINANT INTERMEDIATE C. Last evaluated: 2006-02-01. Review status: no assertion criteria provided. Collection method: literature only. Allele origin: germline. Not counted in ClinVar's aggregate classification.

Inherited Neuropathy Consortium
Classification: Uncertain significance for Charcot-Marie-Tooth disease. Review status: no assertion criteria provided. Collection method: literature only. Allele origin: germline. Affected: yes. Not counted in ClinVar's aggregate classification.

Literature cited by the submitters: PubMed 14606043 (cited by Labcorp Genetics (formerly Invitae), Labcorp and OMIM); PubMed 16429158 (cited by 3 submitters); PubMed 19561293 (cited by Labcorp Genetics (formerly Invitae), Labcorp); PubMed 21384131 (cited by Labcorp Genetics (formerly Invitae), Labcorp); PubMed 26975778 (cited by Labcorp Genetics (formerly Invitae), Labcorp).

NM_003680.4(YARS1):c.121G>A (p.Gly41Arg)

Gene: YARS1 (tyrosyl-tRNA synthetase 1; minus strand). Cytogenetic location: 1p35.1.
Variant type: single nucleotide variant.
Coding change: c.121G>A on transcript NM_003680.4 (MANE Select); coding-DNA position 121, G replaced by A.
Protein change: p.Gly41Arg; replaces glycine 41 with arginine.
Molecular consequence: missense variant.
Genome position (GRCh38, 1-based): chr1:32,810,994, C>T on the plus strand (G>A on the coding strand, the complement: YARS1 is on the minus strand). VCF-style: chr1-32810994-C-T. GRCh37 (hg19) VCF-style: chr1-33276595-C-T.
Other names: short protein forms G41R.
Identifiers: ClinVar variation 6188 (VCV000006188.11), dbSNP rs121908833, ClinGen allele CA118052.
Genomic context (GRCh38, chr1:32,810,994, plus strand): 5'-CTGCAATCTTTGACATGGGCACAAAGTAAGCCACATGTGGTTTGCCCGTGGTTGCCGTTC[C>T]CCAGTAAATTTTAAGTTCCCGCTCCTTCAGTATCTCCTTCAGCTTCTCTTCCCCCAGAAC-3'
Protein context (NP_003671.1, residues 31-51): LKERELKIYW[Gly41Arg]TATTGKPHVA